The following is an entry in ClinVar:

ClinVar aggregate classification (germline): Uncertain significance (1 of 4 stars; one submission).

Conditions:
Diamond-Blackfan anemia. Also called: Blackfan Diamond syndrome; Aregenerative anemia chronic congenital; Red cell aplasia, pure hereditary; Congenital hypoplastic anemia; Aase syndrome. Identifiers: Orphanet 124, MedGen C1260899, MeSH D029503, MONDO:0015253, HP:0004810.

Allele frequency attached by ClinVar (database versions not stated): gnomAD exomes below 0.00001 and 0.00002; gnomAD 0.00001; TOPMed 0.00001; ExAC 0.00001.

Submission:

Labcorp Genetics (formerly Invitae), Labcorp
Classification: Uncertain significance for Diamond-Blackfan anemia. Last evaluated: 2021-05-13. Review status: criteria provided, single submitter. Criteria: Invitae Variant Classification Sherloc (09022015). Collection method: clinical testing. Allele origin: germline.
Comment: In summary, the available evidence is currently insufficient to determine the role of this variant in disease. Therefore, it has been classified as a Variant of Uncertain Significance. Algorithms developed to predict the effect of missense changes on protein structure and function are either unavailable or do not agree on the potential impact of this missense change (SIFT: "Tolerated"; PolyPhen-2: "Probably Damaging"; Align-GVGD: "Class C0"). This variant has not been reported in the literature in individuals with RPL5-related conditions. This variant is present in population databases (rs776644546, ExAC 0.002%). This sequence change replaces lysine with glutamic acid at codon 197 of the RPL5 protein (p.Lys197Glu). The lysine residue is moderately conserved and there is a small physicochemical difference between lysine and glutamic acid.

NM_000969.5(RPL5):c.589A>G (p.Lys197Glu)

Genes: DIPK1A (divergent protein kinase domain 1A; minus strand), RPL5 (ribosomal protein L5; plus strand). Cytogenetic location: 1p22.1.
Variant type: single nucleotide variant.
Coding change: c.589A>G on transcript NM_000969.5 (MANE Select); coding-DNA position 589, A replaced by G.
Protein change: p.Lys197Glu; replaces lysine 197 with glutamic acid.
Molecular consequence: missense variant. On other transcripts: non-coding transcript variant (1), intron variant (1).
Genome position (GRCh38, 1-based): chr1:92,837,517, A>G. VCF-style: chr1-92837517-A-G. GRCh37 (hg19) VCF-style: chr1-93303074-A-G.
Other names: c.475-4483T>C (NM_001252273.2); short protein forms K197E.
Identifiers: ClinVar variation 1475789 (VCV001475789.8), dbSNP rs776644546, ClinGen allele CA952525.